The following is an entry in ClinVar:

ClinVar aggregate classification (germline): Uncertain significance (1 of 4 stars; one submission).

Conditions:
Hereditary cancer-predisposing syndrome. Also called: Tumor predisposition; Hereditary Cancer Syndrome; Hereditary neoplastic syndrome; Neoplastic Syndromes, Hereditary. Identifiers: Orphanet 140162, MedGen C0027672, MeSH D009386, MONDO:0015356.

Submission:

Ambry Genetics
Classification: Uncertain significance for Hereditary cancer-predisposing syndrome. Last evaluated: 2024-06-22. Review status: criteria provided, single submitter. Criteria: Ambry Variant Classification Scheme 2023. Collection method: clinical testing. Allele origin: germline.
Comment: The p.S759C variant (also known as c.2276C>G), located in coding exon 16 of the MSH3 gene, results from a C to G substitution at nucleotide position 2276. The serine at codon 759 is replaced by cysteine, an amino acid with dissimilar properties. This amino acid position is conserved. In addition, the in silico prediction for this alteration is inconclusive. Based on the available evidence, the clinical significance of this variant remains unclear.

NM_002439.5(MSH3):c.2276C>G (p.Ser759Cys)

Gene: MSH3 (mutS homolog 3; plus strand). Cytogenetic location: 5q14.1.
Variant type: single nucleotide variant.
Coding change: c.2276C>G on transcript NM_002439.5 (MANE Select); coding-DNA position 2276, C replaced by G.
Protein change: p.Ser759Cys; replaces serine 759 with cysteine.
Molecular consequence: missense variant.
Genome position (GRCh38, 1-based): chr5:80,775,716, C>G. VCF-style: chr5-80775716-C-G. GRCh37 (hg19) VCF-style: chr5-80071535-C-G.
Other names: short protein forms S759C.
Identifiers: ClinVar variation 3296319 (VCV003296319.1).